The following is an entry in ClinVar:

NM_000548.5(TSC2):c.1199T>A (p.Phe400Tyr)

Gene: TSC2 (TSC complex subunit 2; plus strand). Cytogenetic location: 16p13.3.
Variant type: single nucleotide variant.
Coding change: c.1199T>A on transcript NM_000548.5 (MANE Select); coding-DNA position 1199, T replaced by A.
Protein change: p.Phe400Tyr; replaces phenylalanine 400 with tyrosine.
Molecular consequence: missense variant. On other transcripts: 5 prime UTR variant (10), non-coding transcript variant (5).
Genome position (GRCh38, 1-based): chr16:2,061,950, T>A. VCF-style: chr16-2061950-T-A. GRCh37 (hg19) VCF-style: chr16-2111951-T-A.
Other names: c.1199T>A, p.Phe400Tyr (NM_001370405.1, NM_001406663.1, NM_001406664.1 and 6 more transcripts); c.1289T>A, p.Phe430Tyr (NM_001406667.1, NM_001406668.1); c.1088T>A, p.Phe363Tyr (NM_001406670.1, NM_001406678.1, NM_001318827.2); c.1187T>A, p.Phe396Tyr (NM_001406671.1, NM_001406673.1); c.1052T>A, p.Phe351Tyr (NM_001406675.1, NM_001406676.1, NM_001406679.1 and 1 more transcripts); c.1142T>A, p.Phe381Tyr (NM_001406677.1); c.599T>A, p.Phe200Tyr (NM_001406680.1, NM_001406682.1, NM_001406683.1 and 6 more transcripts); c.737T>A, p.Phe246Tyr (NM_001406681.1); and 4 more; short protein forms F200Y, F246Y, F363Y, F396Y, F400Y, F351Y, F411Y, F381Y.
Identifiers: ClinVar variation 3811312 (VCV003811312.1).
Genomic context (GRCh38, chr16:2,061,950, plus strand): 5'-TCAGGACCATCGTCCATGACCTGTTGACCACGGTGGAGGAGCTGTGTGACCAGAACGAGT[T>A]CCACGGGTCTCAGGAGAGATACTTTGAACTGGTGGAGAGATGTGCGGACCAGAGGCCTGT-3'
Protein context (NP_000539.2, residues 390-410): TVEELCDQNE[Phe400Tyr]HGSQERYFEL

ClinVar aggregate classification (germline): Uncertain significance (1 of 4 stars; one submission).

Conditions:
Hereditary cancer-predisposing syndrome. Also called: Neoplastic Syndromes, Hereditary; Hereditary Cancer Syndrome; Tumor predisposition; Hereditary neoplastic syndrome. Identifiers: Orphanet 140162, MedGen C0027672, MeSH D009386, MONDO:0015356.

Submission:

Ambry Genetics
Classification: Uncertain significance for Hereditary cancer-predisposing syndrome. Last evaluated: 2024-12-16. Review status: criteria provided, single submitter. Criteria: Ambry Variant Classification Scheme 2023. Collection method: clinical testing. Allele origin: germline.
Comment: The p.F400Y variant (also known as c.1199T>A), located in coding exon 11 of the TSC2 gene, results from a T to A substitution at nucleotide position 1199. The phenylalanine at codon 400 is replaced by tyrosine, an amino acid with highly similar properties. This amino acid position is conserved. In addition, this alteration is predicted to be tolerated by in silico analysis. Based on the available evidence, the clinical significance of this variant remains unclear.